The following is an entry in ClinVar:

NM_002485.5(NBN):c.1685T>G (p.Val562Gly)

Gene: NBN (nibrin; minus strand). Cytogenetic location: 8q21.3.
Variant type: single nucleotide variant.
Coding change: c.1685T>G on transcript NM_002485.5 (MANE Select); coding-DNA position 1685, T replaced by G.
Protein change: p.Val562Gly; replaces valine 562 with glycine.
Molecular consequence: missense variant.
Genome position (GRCh38, 1-based): chr8:89,953,404, A>C on the plus strand (T>G on the coding strand, the complement: NBN is on the minus strand). VCF-style: chr8-89953404-A-C. GRCh37 (hg19) VCF-style: chr8-90965632-A-C.
Other names: c.1439T>G, p.Val480Gly (NM_001024688.3); short protein forms V562G, V480G.
Identifiers: ClinVar variation 411742 (VCV000411742.13), dbSNP rs1060503455, ClinGen allele CA16612535.

ClinVar aggregate classification (germline): Uncertain significance. Review status: criteria provided, multiple submitters, no conflicts (2 of 4 stars). 3 submissions from 3 submitters: Uncertain significance (3). Last evaluated 2025-03-07.

Conditions:
Hereditary cancer-predisposing syndrome. Also called: Hereditary neoplastic syndrome; Neoplastic Syndromes, Hereditary; Tumor predisposition; Hereditary Cancer Syndrome. Identifiers: Orphanet 140162, MedGen C0027672, MeSH D009386, MONDO:0015356.
Microcephaly, normal intelligence and immunodeficiency (NBS). Also called: IMMUNODEFICIENCY, MICROCEPHALY, AND CHROMOSOMAL INSTABILITY; SEEMANOVA SYNDROME II; Immunodeficiency, microcephaly with normal intelligence; Ataxia telangiectasia variant V1; Nijmegen breakage syndrome; Microcephaly with normal intelligence immunodeficiency and lymphoreticular malignancies. Identifiers: Orphanet 647, MedGen C0398791, MONDO:0009623, OMIM 251260.

Submissions (3):

Ambry Genetics
Classification: Uncertain significance for Hereditary cancer-predisposing syndrome. Last evaluated: 2025-03-07. Review status: criteria provided, single submitter. Criteria: Ambry Variant Classification Scheme 2023. Collection method: clinical testing. Allele origin: germline.
Comment: The p.V562G variant (also known as c.1685T>G), located in coding exon 11 of the NBN gene, results from a T to G substitution at nucleotide position 1685. The valine at codon 562 is replaced by glycine, an amino acid with dissimilar properties. This amino acid position is conserved. In addition, this alteration is predicted to be tolerated by in silico analysis. Based on the available evidence, the clinical significance of this variant remains unclear.

Labcorp Genetics (formerly Invitae), Labcorp
Classification: Uncertain significance for Microcephaly, normal intelligence and immunodeficiency. Last evaluated: 2022-08-16. Review status: criteria provided, single submitter. Criteria: Invitae Variant Classification Sherloc (09022015). Collection method: clinical testing. Allele origin: germline.
Comment: In summary, the available evidence is currently insufficient to determine the role of this variant in disease. Therefore, it has been classified as a Variant of Uncertain Significance. Algorithms developed to predict the effect of missense changes on protein structure and function (SIFT, PolyPhen-2, Align-GVGD) all suggest that this variant is likely to be tolerated. ClinVar contains an entry for this variant (Variation ID: 411742). This variant has not been reported in the literature in individuals affected with NBN-related conditions. This variant is not present in population databases (gnomAD no frequency). This sequence change replaces valine, which is neutral and non-polar, with glycine, which is neutral and non-polar, at codon 562 of the NBN protein (p.Val562Gly).

Genome-Nilou Lab
Classification: Uncertain significance for Microcephaly, normal intelligence and immunodeficiency. Last evaluated: 2021-11-07. Review status: criteria provided, single submitter. Criteria: ACMG Guidelines, 2015. Collection method: clinical testing. Allele origin: germline. Affected: no.